The following is an entry in ClinVar:

ClinVar aggregate classification (germline): Conflicting classifications of pathogenicity. Review status: criteria provided, conflicting classifications (1 of 4 stars). 6 submissions from 6 submitters: Uncertain significance (4); Benign (1). 1 of the submissions does not count toward it. Last evaluated 2026-01-08.

Conditions:
Charcot-Marie-Tooth disease dominant intermediate E. Also called: CHARCOT-MARIE-TOOTH NEUROPATHY WITH FOCAL SEGMENTAL GLOMERULONEPHRITIS. Identifiers: Orphanet 93114, MedGen C4302667, MONDO:0013758, OMIM 614455.
Focal segmental glomerulosclerosis 5 (FSGS5). Identifiers: Orphanet 656, MedGen C2750475, MONDO:0013191, OMIM 613237.

Allele frequency attached by ClinVar (database versions not stated): ExAC 0.00007; gnomAD 0.00007; TOPMed 0.00008; gnomAD exomes 0.00009.
gnomAD v4.1: 144 of 1,613,140 alleles (0.0089%); highest among the groups gnomAD compares: Non-Finnish European, 0.011%; no homozygotes.

Submissions (6):

GeneDx
Classification: Uncertain significance. Last evaluated: 2026-01-08. Review status: criteria provided, single submitter. Criteria: GeneDx Variant Classification Process June 2021. Collection method: clinical testing. Allele origin: germline. Affected: yes.
Comment: Reported previously in siblings diagnosed with Charcot-Marie-Tooth disease (PMID: 29653220); Canonical splice site variant in a gene for which loss-of-function is not an established mechanism of disease; Located in a regulatory region; in the absence of functional studies, the actual effect of this sequence change is unknown; This variant is associated with the following publications: (PMID: 33712733, 29653220)

Labcorp Genetics (formerly Invitae), Labcorp
Classification: Uncertain significance for Charcot-Marie-Tooth disease dominant intermediate E; Focal segmental glomerulosclerosis 5. Last evaluated: 2025-04-21. Review status: criteria provided, single submitter. Criteria: Invitae Variant Classification Sherloc (09022015). Collection method: clinical testing. Allele origin: germline.
Comment: This sequence change falls in intron 22 of the INF2 gene. It does not directly change the encoded amino acid sequence of the INF2 protein. It affects a nucleotide within the consensus splice site. This variant is present in population databases (rs758452999, gnomAD 0.02%). This variant has been observed in individual(s) with Charcot-Marie-Tooth disease and kidney disease (PMID: 29653220, 33712733). ClinVar contains an entry for this variant (Variation ID: 426785). Variants that disrupt the consensus splice site are a relatively common cause of aberrant splicing (PMID: 17576681, 9536098). Algorithms developed to predict the effect of sequence changes on RNA splicing suggest that this variant may disrupt the consensus splice site. In summary, the available evidence is currently insufficient to determine the role of this variant in disease. Therefore, it has been classified as a Variant of Uncertain Significance.

Fulgent Genetics
Classification: Uncertain significance for Focal segmental glomerulosclerosis 5; Charcot-Marie-Tooth disease dominant intermediate E. Last evaluated: 2024-06-10. Review status: criteria provided, single submitter. Criteria: ACMG Guidelines, 2015. Collection method: clinical testing. Allele origin: germline.

Department of Pathology and Laboratory Medicine, Sinai Health System
Classification: Uncertain significance for Charcot-Marie-Tooth disease dominant intermediate E. Last evaluated: 2021-07-30. Review status: criteria provided, single submitter. Criteria: ACMG Guidelines, 2015. Collection method: research. Allele origin: germline.

Illumina Laboratory Services, Illumina
Classification: Benign for Focal segmental glomerulosclerosis 5. Last evaluated: 2018-10-31. Review status: criteria provided, single submitter. Criteria: ICSL Variant Classification Criteria 13 December 2019. Collection method: clinical testing. Allele origin: germline.
Comment: This variant was observed in the ICSL laboratory as part of a predisposition screen in an ostensibly healthy population. It had not been previously curated by ICSL or reported in the Human Gene Mutation Database (HGMD: prior to June 1st, 2018), and was therefore a candidate for classification through an automated scoring system. Utilizing variant allele frequency, disease prevalence and penetrance estimates, and inheritance mode, an automated score was calculated to assess if this variant is too frequent to cause the disease. Based on the score and internal cut-off values, a variant classified as benign is not then subjected to further curation. The score for this variant resulted in a classification of benign for this disease.

Bioscientia Institut fuer Medizinische Diagnostik GmbH, Sonic Healthcare
Classification: Uncertain significance for Focal segmental glomerulosclerosis 5. Last evaluated: 2018-10-24. Review status: no assertion criteria provided. Collection method: clinical testing. Allele origin: germline. Affected: yes. Not counted in ClinVar's aggregate classification.

Literature cited by the submitters: PubMed 29653220 (cited by Labcorp Genetics (formerly Invitae), Labcorp); PubMed 33712733 (cited by Labcorp Genetics (formerly Invitae), Labcorp); PubMed 17576681 (cited by Labcorp Genetics (formerly Invitae), Labcorp); PubMed 9536098 (cited by Labcorp Genetics (formerly Invitae), Labcorp).

NM_022489.4(INF2):c.*1+1G>C

Gene: INF2 (inverted formin 2; plus strand). Cytogenetic location: 14q32.33.
Variant type: single nucleotide variant.
Coding change: c.*1+1G>C on transcript NM_022489.4 (MANE Select); the canonical splice donor site of the intron after 1 bases downstream of the stop codon, G replaced by C.
Molecular consequence: splice donor variant. On other transcripts: intron variant (1).
Genome position (GRCh38, 1-based): chr14:104,715,341, G>C. VCF-style: chr14-104715341-G-C. GRCh37 (hg19) VCF-style: chr14-105181678-G-C.
Other names: c.3694+485G>C (NM_001031714.4).
Identifiers: ClinVar variation 426785 (VCV000426785.19), dbSNP rs758452999, ClinGen allele CA7373383.